The following is an entry in ClinVar:

NM_000088.4(COL1A1):c.1685A>G (p.Asp562Gly)

Gene: COL1A1 (collagen type I alpha 1 chain; minus strand). Cytogenetic location: 17q21.33.
Variant type: single nucleotide variant.
Coding change: c.1685A>G on transcript NM_000088.4 (MANE Select); coding-DNA position 1685, A replaced by G.
Protein change: p.Asp562Gly; replaces aspartic acid 562 with glycine.
Molecular consequence: missense variant.
Genome position (GRCh38, 1-based): chr17:50,194,025, T>C on the plus strand (A>G on the coding strand, the complement: COL1A1 is on the minus strand). VCF-style: chr17-50194025-T-C. GRCh37 (hg19) VCF-style: chr17-48271386-T-C.
Other names: short protein forms D562G.
Identifiers: ClinVar variation 2907847 (VCV002907847.3), dbSNP rs766308522, ClinGen allele CA8645136.

ClinVar aggregate classification (germline): Uncertain significance (1 of 4 stars; one submission).

Conditions:
Osteogenesis imperfecta type I (OI1). Also called: Osteogenesis imperfecta type 1; Lobstein's Disease; Classic Non-deforming Osteogenesis Imperfecta with Blue Sclerae; OI, TYPE I; OSTEOGENESIS IMPERFECTA TARDA; OSTEOGENESIS IMPERFECTA WITH BLUE SCLERAE. Identifiers: Orphanet 216796, Orphanet 666, MedGen C0023931, MONDO:0008146, OMIM 166200. Disease mechanism: loss of function.

Allele frequency attached by ClinVar (database versions not stated): gnomAD exomes below 0.00001; ExAC 0.00001.

Submission:

Labcorp Genetics (formerly Invitae), Labcorp
Classification: Uncertain significance for Osteogenesis imperfecta type I. Last evaluated: 2025-04-27. Review status: criteria provided, single submitter. Criteria: Invitae Variant Classification Sherloc (09022015). Collection method: clinical testing. Allele origin: germline.
Comment: This sequence change replaces aspartic acid, which is acidic and polar, with glycine, which is neutral and non-polar, at codon 562 of the COL1A1 protein (p.Asp562Gly). This variant is present in population databases (rs766308522, gnomAD no frequency). This variant has not been reported in the literature in individuals affected with COL1A1-related conditions. ClinVar contains an entry for this variant (Variation ID: 2907847). Invitae Evidence Modeling of protein sequence and biophysical properties (such as structural, functional, and spatial information, amino acid conservation, physicochemical variation, residue mobility, and thermodynamic stability) indicates that this missense variant is expected to disrupt COL1A1 protein function with a positive predictive value of 95%. In summary, the available evidence is currently insufficient to determine the role of this variant in disease. Therefore, it has been classified as a Variant of Uncertain Significance.